The following is an entry in ClinVar:

ClinVar aggregate classification (germline): Uncertain significance. Review status: criteria provided, multiple submitters, no conflicts (2 of 4 stars). 5 submissions from 5 submitters: Uncertain significance (5). Last evaluated 2026-05-26.

Conditions:
Inborn genetic diseases. Identifiers: MedGen C0950123, MeSH D030342.
TCF3-related disorder. Also called: TCF3-related condition.

Allele frequency attached by ClinVar (database versions not stated): gnomAD 0.00005 and 0.00006; gnomAD exomes 0.00005; TOPMed 0.00006; ExAC 0.00008.
gnomAD v4.1: 72 of 1,575,726 alleles (0.0046%); highest among the groups gnomAD compares: East Asian, 0.0091%; no homozygotes.

Submissions (5):

PreventionGenetics, part of Exact Sciences
Classification: Uncertain significance for TCF3-related condition. Last evaluated: 2026-05-26. Review status: criteria provided, single submitter. Criteria: ACMG Guidelines, 2015. Collection method: clinical testing. Allele origin: germline.
Comment: The TCF3 c.1313G>A variant is predicted to result in the amino acid substitution p.Arg438Gln. To our knowledge, this variant has not been reported in the literature. This variant is reported in 0.034% of alleles in individuals of East Asian descent in gnomAD. At this time, the clinical significance of this variant is uncertain due to the absence of conclusive functional and genetic evidence.

Ambry Genetics
Classification: Uncertain significance for Inborn genetic diseases. Last evaluated: 2025-12-16. Review status: criteria provided, single submitter. Criteria: Ambry Variant Classification Scheme 2023. Collection method: clinical testing. Allele origin: germline.

Labcorp Genetics (formerly Invitae), Labcorp
Classification: Uncertain significance. Last evaluated: 2025-10-21. Review status: criteria provided, single submitter. Criteria: Invitae Variant Classification Sherloc (09022015). Collection method: clinical testing. Allele origin: germline.
Comment: This sequence change replaces arginine, which is basic and polar, with glutamine, which is neutral and polar, at codon 438 of the TCF3 protein (p.Arg438Gln). This variant is present in population databases (rs769758535, gnomAD 0.05%). This variant has not been reported in the literature in individuals affected with TCF3-related conditions. ClinVar contains an entry for this variant (Variation ID: 1406167). Invitae Evidence Modeling of protein sequence and biophysical properties (such as structural, functional, and spatial information, amino acid conservation, physicochemical variation, residue mobility, and thermodynamic stability) indicates that this missense variant is expected to disrupt TCF3 protein function with a positive predictive value of 80%. In summary, the available evidence is currently insufficient to determine the role of this variant in disease. Therefore, it has been classified as a Variant of Uncertain Significance.

Blueprint Genetics
Classification: Uncertain significance. Last evaluated: 2024-10-01. Review status: criteria provided, single submitter. Criteria: ACMG Guidelines, 2015. Collection method: clinical testing. Allele origin: germline.

Mayo Clinic Laboratories, Mayo Clinic
Classification: Uncertain significance. Last evaluated: 2023-11-30. Review status: criteria provided, single submitter. Criteria: ACMG Guidelines, 2015. Collection method: clinical testing. Allele origin: germline. Observed: 1 variant allele.
Comment: BP4

NM_003200.5(TCF3):c.1313G>A (p.Arg438Gln)

Gene: TCF3 (transcription factor 3; minus strand). Cytogenetic location: 19p13.3.
Variant type: single nucleotide variant.
Coding change: c.1313G>A on transcript NM_003200.5 (MANE Select); coding-DNA position 1313, G replaced by A.
Protein change: p.Arg438Gln; replaces arginine 438 with glutamine.
Molecular consequence: missense variant.
Genome position (GRCh38, 1-based): chr19:1,619,329, C>T on the plus strand (G>A on the coding strand, the complement: TCF3 is on the minus strand). VCF-style: chr19-1619329-C-T. GRCh37 (hg19) VCF-style: chr19-1619328-C-T.
Other names: p.Arg438Gln; c.1313G>A, p.Arg438Gln (NM_001136139.4, NM_001351779.2); c.1310G>A, p.Arg437Gln (NM_001351778.2); c.1313G>A (NM_003200.3); short protein forms R437Q, R438Q.
Identifiers: ClinVar variation 1406167 (VCV001406167.11), dbSNP rs769758535, ClinGen allele CA9049936.